The following is an entry in ClinVar:

NM_006121.4(KRT1):c.1436T>C (p.Ile479Thr)

Gene: KRT1 (keratin 1; minus strand). Cytogenetic location: 12q13.13.
Variant type: single nucleotide variant.
Coding change: c.1436T>C on transcript NM_006121.4 (MANE Select); coding-DNA position 1436, T replaced by C.
Protein change: p.Ile479Thr; replaces isoleucine 479 with threonine.
Molecular consequence: missense variant.
Genome position (GRCh38, 1-based): chr12:52,676,314, A>G on the plus strand (T>C on the coding strand, the complement: KRT1 is on the minus strand). VCF-style: chr12-52676314-A-G. GRCh37 (hg19) VCF-style: chr12-53070098-A-G.
Other names: short protein forms I479T.
Identifiers: ClinVar variation 15911 (VCV000015911.18), dbSNP rs57837128, ClinGen allele CA126046.
Genomic context (GRCh38, chr12:52,676,314, plus strand): 5'-CTCCCAGCGTCCCTTCCTCACCTGCTTTCTTCTCCCTCCAGGAGGGTCCTGTAGGTGGCA[A>G]TCTCCAGATCCAGGGCCAGCTTTGTGTTCATCAGCTCCTGGTAGTCGCGCAGCAGGCGGG-3'
Protein context (NP_006112.3, residues 469-489): MNTKLALDLE[Ile479Thr]ATYRTLLEGE

ClinVar aggregate classification (germline): Pathogenic/Likely pathogenic. Review status: criteria provided, multiple submitters, no conflicts (2 of 4 stars). 6 submissions from 6 submitters: Pathogenic (2); Likely pathogenic (1). 3 of the submissions do not count toward it. Last evaluated 2025-11-04.

Conditions:
Ichthyosis, annular epidermolytic, 2 (AEI2). Identifiers: MedGen C5774264, MONDO:0859574, OMIM 620148.
KRT1-related disorder. Also called: KRT1-related condition.
Annular epidermolytic ichthyosis. Identifiers: Orphanet 281139, MedGen C1843463, MONDO:0011870.

Submissions (6):

Labcorp Genetics (formerly Invitae), Labcorp
Classification: Pathogenic. Last evaluated: 2025-11-04. Review status: criteria provided, single submitter. Criteria: Invitae Variant Classification Sherloc (09022015). Collection method: clinical testing. Allele origin: germline.
Comment: This sequence change replaces isoleucine, which is neutral and non-polar, with threonine, which is neutral and polar, at codon 479 of the KRT1 protein (p.Ile479Thr). This variant is not present in population databases (gnomAD no frequency). This missense change has been observed in individuals with KRT1-related conditions (PMID: 10053007, 15214894, 22250628, 30152556). It has also been observed to segregate with disease in related individuals. ClinVar contains an entry for this variant (Variation ID: 15911). Invitae Evidence Modeling of protein sequence and biophysical properties (such as structural, functional, and spatial information, amino acid conservation, physicochemical variation, residue mobility, and thermodynamic stability) indicates that this missense variant is expected to disrupt KRT1 protein function with a positive predictive value of 95%. For these reasons, this variant has been classified as Pathogenic.

GeneDx
Classification: Pathogenic. Last evaluated: 2023-10-24. Review status: criteria provided, single submitter. Criteria: GeneDx Variant Classification Process June 2021. Collection method: clinical testing. Allele origin: germline. Affected: yes.
Comment: Located in the highly conserved helix termination motif of the alpha-helical rod domain, which is intolerant to change; variants in this motif interfere with proper keratin intermediate filament assembly and function, resulting in skin fragility and/or hyperkeratosis (PMID: 21176769, 21271994, 26176760); Not observed in large population cohorts (gnomAD); In silico analysis supports that this missense variant has a deleterious effect on protein structure/function; This variant is associated with the following publications: (PMID: 10688370, 27421141, 27617465, 32588446, 10053007, 26581228, 26945532, 23623204, 21271994, 25904304, 30152556, 34188299, 32666929, 21176769, 26176760, 36656063, 22250628, 15214894)

Neuberg Centre For Genomic Medicine, NCGM
Classification: Likely pathogenic for Ichthyosis, annular epidermolytic 1. Review status: criteria provided, single submitter. Criteria: ACMG Guidelines, 2015. Collection method: clinical testing. Allele origin: germline. Affected: yes.
Comment: The missense variant p.I479T in KRT1 (NM_006121.4) has been previously reported in patients with cyclic ichthyosis with epidermolytic hyperkeratosis as well as in patients with epidermolytic palmoplantar keratoderma ( Hotz et al., 2016; TerronKwiatkowski et al., 2004). The variant has been submitted to ClinVar as Pathogenic.No functional studies have been performed. The p.I479T variant is novel (not in any individuals) in gnomAD Exomes and is novel (not in any individuals) in 1000 Genomes. The p.I479T missense variant is predicted to be damaging by both SIFT and PolyPhen2. The isoleucine residue at codon 479 of KRT1 is conserved in all mammalian species. The nucleotide c.1436 in KRT1 is predicted conserved by GERP++ and PhyloP across 100 vertebrates. For these reasons, this variant has been classified as Likely Pathogenic.

PreventionGenetics, part of Exact Sciences
Classification: Pathogenic for KRT1-related condition. Last evaluated: 2024-06-25. Review status: no assertion criteria provided. Collection method: clinical testing. Allele origin: germline. Not counted in ClinVar's aggregate classification.
Comment: The KRT1 c.1436T>C variant is predicted to result in the amino acid substitution p.Ile479Thr. This variant has been reported and shown to co-segregate with disease in multiple individuals and families with epidermolytic ichthyosis (Sybert et al. 1999. PubMed ID: 10053007; Arin et al. 2000. PubMed ID: 10688370; Terron-Kwiatkowski et al. 2004. PubMed ID: 15214894; Zeng et al. 2012. PubMed ID: 22250628; Murase et al. 2020. PubMed ID: 32588446; Liang et al. 2020. PubMed ID: 32666929). It has also been reported to have arisen de novo in at least two affected individuals (Sybert et al. 1999. PubMed ID: 10053007; Chen et al. 2021. PubMed ID: 34188299). In vitro studies have shown the p.Ile479Thr variant led to the formation of mutant keratin aggregates and significantly increased levels of multiple inflammatory markers relative to wild type protein (Ansai et al. 2023. PubMed ID: 36656063). This variant has not been reported in the gnomAD database, indicating this variant is rare. Another missense variant at the same amino acid residue (p.Ile479Phe) has been reported and shown to co-segregate with disease in at least two families with KRT1-related disease (Sybert et al. 1999. PubMed ID: 10053007; Michael et al. 1999. PubMed ID: 10597140). Taken together, the p.Ile479Thr variant is interpreted as pathogenic.

OMIM
Classification: Pathogenic for ICHTHYOSIS, ANNULAR EPIDERMOLYTIC, 2. Last evaluated: 1999-03-01. Review status: no assertion criteria provided. Collection method: literature only. Allele origin: germline. Not counted in ClinVar's aggregate classification.

Epithelial Biology;  Institute of Medical Biology, Singapore
No classification provided. Review status: no classification provided. Collection method: not provided. Allele origin: not provided. Not counted in ClinVar's aggregate classification.

Literature cited by the submitters: PubMed 10053007 (cited by Labcorp Genetics (formerly Invitae), Labcorp and OMIM); PubMed 15214894 (cited by Labcorp Genetics (formerly Invitae), Labcorp); PubMed 22250628 (cited by Labcorp Genetics (formerly Invitae), Labcorp); PubMed 30152556 (cited by Labcorp Genetics (formerly Invitae), Labcorp).